The following is an entry in ClinVar:

ClinVar aggregate classification (germline): Uncertain significance (1 of 4 stars; one submission).

gnomAD v4.1: 7 of 1,613,858 alleles (0.00043%); highest among the groups gnomAD compares: South Asian, 0.0044%; no homozygotes.

Submission:

Ambry Genetics
Classification: Uncertain significance. Last evaluated: 2024-12-03. Review status: criteria provided, single submitter. Criteria: Ambry Variant Classification Scheme 2023. Collection method: clinical testing. Allele origin: germline.
Comment: The c.700G>A (p.G234S) alteration is located in exon (coding exon ) of the SH3RF3 gene. This alteration results from a G to A substitution at nucleotide position 700, causing the glycine (G) at amino acid position 234 to be replaced by a serine (S). Based on insufficient or conflicting evidence, the clinical significance of this alteration remains unclear.

NM_001099289.3(SH3RF3):c.700G>A (p.Gly234Ser)

Genes: RANBP2 (RAN binding protein 2; plus strand), SH3RF3 (SH3 domain containing ring finger 3; plus strand). Cytogenetic location: 2q13.
Variant type: single nucleotide variant.
Coding change: c.700G>A on transcript NM_001099289.3 (MANE Select); coding-DNA position 700, G replaced by A.
Protein change: p.Gly234Ser; replaces glycine 234 with serine.
Molecular consequence: missense variant.
Genome position (GRCh38, 1-based): chr2:109,347,800, G>A. VCF-style: chr2-109347800-G-A. GRCh37 (hg19) VCF-style: chr2-109964256-G-A.
Other names: short protein forms G234S.
Identifiers: ClinVar variation 3441132 (VCV003441132.1).